The following is an entry in ClinVar:

ClinVar aggregate classification (germline): Pathogenic/Likely pathogenic. Review status: criteria provided, multiple submitters, no conflicts (2 of 4 stars). 2 submissions from 2 submitters: Pathogenic (1); Likely pathogenic (1). Last evaluated 2025-11-28.

Conditions:
Bartter disease type 1. Also called: Bartter syndrome, type 1, antenatal; Bartter Syndrome type 1; HYPOKALEMIC ALKALOSIS WITH HYPERCALCIURIA 1, ANTENATAL; HYPERPROSTAGLANDIN E SYNDROME 1. Identifiers: Orphanet 112, Orphanet 620217, MedGen C1866495, MONDO:0100344, OMIM 601678, MONDO:0011127.

Submissions (2):

Labcorp Genetics (formerly Invitae), Labcorp
Classification: Pathogenic. Last evaluated: 2025-11-28. Review status: criteria provided, single submitter. Criteria: Invitae Variant Classification Sherloc (09022015). Collection method: clinical testing. Allele origin: germline.
Comment: This sequence change creates a premature translational stop signal (p.Glu563Glyfs*21) in the SLC12A1 gene. It is expected to result in an absent or disrupted protein product. Loss-of-function variants in SLC12A1 are known to be pathogenic (PMID: 8640224, 9585600, 19096086). This variant is not present in population databases (gnomAD no frequency). This variant has not been reported in the literature in individuals affected with SLC12A1-related conditions. ClinVar contains an entry for this variant (Variation ID: 847437). For these reasons, this variant has been classified as Pathogenic.

Fulgent Genetics
Classification: Likely pathogenic for Bartter disease type 1. Last evaluated: 2024-02-28. Review status: criteria provided, single submitter. Criteria: ACMG Guidelines, 2015. Collection method: clinical testing. Allele origin: germline.

Literature cited by the submitters: PubMed 8640224 (cited by Labcorp Genetics (formerly Invitae), Labcorp); PubMed 9585600 (cited by Labcorp Genetics (formerly Invitae), Labcorp); PubMed 19096086 (cited by Labcorp Genetics (formerly Invitae), Labcorp).

NM_000338.3(SLC12A1):c.1687dup (p.Glu563fs)

Gene: SLC12A1 (solute carrier family 12 member 1; plus strand). Cytogenetic location: 15q21.1.
Variant type: Duplication.
Coding change: c.1687dup on transcript NM_000338.3 (MANE Select); coding-DNA position 1687, one base duplicated (G; older notation c.1687dupG).
Protein change: p.Glu563fs; shifts the reading frame from glutamic acid 563.
Molecular consequence: frameshift variant.
Genome position (GRCh38, 1-based): chr15:48,249,577, G duplicated; the last of 2 consecutive G bases (chr15:48,249,576-48,249,577); duplicating either gives the same sequence. VCF-style (leftmost placement, unchanged base first): chr15-48249575-C-CG. GRCh37 (hg19) VCF-style: chr15-48541772-C-CG.
Other names: c.1687dup, p.Glu563fs (NM_001184832.2); short protein forms E563fs.
Identifiers: ClinVar variation 847437 (VCV000847437.8), dbSNP rs865973286, ClinGen allele CA269475532.